The following is an entry in ClinVar:

NM_023935.3(DDRGK1):c.273C>T (p.Asn91=)

Gene: DDRGK1 (DDRGK domain containing 1; minus strand). Cytogenetic location: 20p13.
Variant type: single nucleotide variant.
Coding change: c.273C>T on transcript NM_023935.3 (MANE Select); coding-DNA position 273, C replaced by T.
Protein change: p.Asn91=; no amino-acid change (asparagine 91 retained).
Molecular consequence: synonymous variant.
Genome position (GRCh38, 1-based): chr20:3,203,235, G>A on the plus strand (C>T on the coding strand, the complement: DDRGK1 is on the minus strand). VCF-style: chr20-3203235-G-A. GRCh37 (hg19) VCF-style: chr20-3183881-G-A.
Identifiers: ClinVar variation 769992 (VCV000769992.13), dbSNP rs61735512, ClinGen allele CA9740989.

ClinVar aggregate classification (germline): Benign/Likely benign. Review status: criteria provided, multiple submitters, no conflicts (2 of 4 stars). 3 submissions from 3 submitters: Benign (1); Likely benign (1). 1 of the submissions does not count toward it. Last evaluated 2026-01-26.

Conditions:
DDRGK1-related disorder. Also called: DDRGK1-related condition.

Allele frequency attached by ClinVar (database versions not stated): gnomAD 0.00272; 1000 Genomes Project 0.00300; 1000 Genomes Project 30x 0.00312; TOPMed 0.00383; ESP Exome Variant Server 0.00477.

Submissions (3):

Labcorp Genetics (formerly Invitae), Labcorp
Classification: Benign. Last evaluated: 2026-01-26. Review status: criteria provided, single submitter. Criteria: Invitae Variant Classification Sherloc (09022015). Collection method: clinical testing. Allele origin: germline.

Blueprint Genetics
Classification: Likely benign. Last evaluated: 2024-11-01. Review status: criteria provided, single submitter. Criteria: ACMG Guidelines, 2015. Collection method: clinical testing. Allele origin: germline.

PreventionGenetics, part of Exact Sciences
Classification: Benign for DDRGK1-related condition. Last evaluated: 2019-03-22. Review status: no assertion criteria provided. Collection method: clinical testing. Allele origin: germline. Not counted in ClinVar's aggregate classification.
Comment: This variant is classified as benign based on ACMG/AMP sequence variant interpretation guidelines (Richards et al. 2015 PMID: 25741868, with internal and published modifications).